The following is an entry in ClinVar:

NM_005609.4(PYGM):c.1010A>G (p.Gln337Arg)

Gene: PYGM (glycogen phosphorylase, muscle associated; minus strand). Cytogenetic location: 11q13.1.
Variant type: single nucleotide variant.
Coding change: c.1010A>G on transcript NM_005609.4 (MANE Select); coding-DNA position 1010, A replaced by G.
Protein change: p.Gln337Arg; replaces glutamine 337 with arginine.
Molecular consequence: missense variant.
Genome position (GRCh38, 1-based): chr11:64,754,335, T>C on the plus strand (A>G on the coding strand, the complement: PYGM is on the minus strand). VCF-style: chr11-64754335-T-C. GRCh37 (hg19) VCF-style: chr11-64521807-T-C.
Other names: c.746A>G, p.Gln249Arg (NM_001164716.1); short protein forms Q249R, Q337R.
Identifiers: ClinVar variation 2678139 (VCV002678139.6), dbSNP rs1223701129, ClinGen allele CA381177246.
Genomic context (GRCh38, chr11:64,754,335, plus strand): 5'-AGGTCCACCAGGATCCTCATCAGCTCGGGGATGGCCAGGGAGGGGTGGGTGTCATTGAGC[T>C]GGATGGCCACCTGGGGTAGGGGGAGGGGTCAGTCTGGGCTCCAAACCACATTCCATGCTA-3'
Protein context (NP_005600.1, residues 327-347): FDAFPDKVAI[Gln337Arg]LNDTHPSLAI

ClinVar aggregate classification (germline): Conflicting classifications of pathogenicity. Review status: criteria provided, conflicting classifications (1 of 4 stars). 3 submissions from 3 submitters: Pathogenic (2); Uncertain significance (1). Last evaluated 2025-04-18.

Conditions:
Glycogen storage disease, type V (GSD5). Also called: McArdle type glycogen storage disease; MCARDLE DISEASE; MUSCLE GLYCOGEN PHOSPHORYLASE DEFICIENCY; MYOPHOSPHORYLASE DEFICIENCY; PYGM DEFICIENCY. Identifiers: Orphanet 368, MedGen C0017924, MONDO:0009293, OMIM 232600.

Allele frequency attached by ClinVar (database versions not stated): gnomAD exomes below 0.00001.
gnomAD v4.1: 3 of 1,612,364 alleles (0.00019%); highest among the groups gnomAD compares: Non-Finnish European, 0.00025%; no homozygotes.

Submissions (3):

Women's Health and Genetics/Laboratory Corporation of America, LabCorp
Classification: Uncertain significance. Last evaluated: 2025-04-18. Review status: criteria provided, single submitter. Criteria: LabCorp Variant Classification Summary - May 2015. Collection method: clinical testing. Allele origin: germline.
Comment: Variant summary: PYGM c.1010A>G (p.Gln337Arg) results in a conservative amino acid change in the encoded protein sequence. Four of five in-silico tools predict a damaging effect of the variant on protein function. The variant allele was found at a frequency of 4e-06 in 250430 control chromosomes. c.1010A>G has been observed in an homozygous individual affected with Glycogen Storage Disease, Type V (Rommel_2006). These data indicate that the variant may be associated with disease. To our knowledge, no experimental evidence demonstrating an impact on protein function has been reported. The following publications have been ascertained in the context of this evaluation (PMID: 17404776, 32075227, 16793208). ClinVar contains an entry for this variant (Variation ID: 2678139). Based on the evidence outlined above, the variant was classified as VUS-possibly pathogenic.

Labcorp Genetics (formerly Invitae), Labcorp
Classification: Pathogenic for Glycogen storage disease, type V. Last evaluated: 2023-02-11. Review status: criteria provided, single submitter. Criteria: Invitae Variant Classification Sherloc (09022015). Collection method: clinical testing. Allele origin: germline.
Comment: This sequence change replaces glutamine, which is neutral and polar, with arginine, which is basic and polar, at codon 337 of the PYGM protein (p.Gln337Arg). This variant is present in population databases (no rsID available, gnomAD 0.0009%). This missense change has been observed in individual(s) with McArdle disease (PMID: 16793208, 17404776). This variant is also known as Gln336Arg. Advanced modeling of protein sequence and biophysical properties (such as structural, functional, and spatial information, amino acid conservation, physicochemical variation, residue mobility, and thermodynamic stability) performed at Invitae indicates that this missense variant is expected to disrupt PYGM protein function. For these reasons, this variant has been classified as Pathogenic.

Baylor Genetics
Classification: Pathogenic for Glycogen storage disease, type V. Last evaluated: 2022-12-08. Review status: criteria provided, single submitter. Criteria: ACMG Guidelines, 2015. Collection method: clinical testing. Allele origin: unknown.

Literature cited by the submitters: PubMed 17404776 (cited by Women's Health and Genetics/Laboratory Corporation of America, LabCorp and Labcorp Genetics (formerly Invitae), Labcorp); PubMed 32075227 (cited by Women's Health and Genetics/Laboratory Corporation of America, LabCorp); PubMed 16793208 (cited by Women's Health and Genetics/Laboratory Corporation of America, LabCorp and Labcorp Genetics (formerly Invitae), Labcorp).